The following is an entry in ClinVar:

ClinVar aggregate classification (germline): Uncertain significance (1 of 4 stars; one submission).

Conditions:
Inborn genetic diseases. Identifiers: MedGen C0950123, MeSH D030342.

Allele frequency attached by ClinVar (database versions not stated): gnomAD exomes below 0.00001.

Submission:

Ambry Genetics
Classification: Uncertain significance for Inborn genetic diseases. Last evaluated: 2017-03-28. Review status: criteria provided, single submitter. Criteria: Ambry Variant Classification Scheme 2023. Collection method: clinical testing. Allele origin: germline.
Comment: The p.N1494D variant (also known as c.4480A>G), located in coding exon 34 of the CHD2 gene, results from an A to G substitution at nucleotide position 4480. The asparagine at codon 1494 is replaced by aspartic acid, an amino acid with highly similar properties. This amino acid position is not well conserved in available vertebrate species. In addition, this alteration is predicted to be tolerated by in silico analysis. Since supporting evidence is limited at this time, the clinical significance of this alteration remains unclear.

NM_001271.4(CHD2):c.4480A>G (p.Asn1494Asp)

Gene: CHD2 (chromodomain helicase DNA binding protein 2; plus strand). Cytogenetic location: 15q26.1.
Variant type: single nucleotide variant.
Coding change: c.4480A>G on transcript NM_001271.4 (MANE Select); coding-DNA position 4480, A replaced by G.
Protein change: p.Asn1494Asp; replaces asparagine 1494 with aspartic acid.
Molecular consequence: missense variant.
Genome position (GRCh38, 1-based): chr15:93,009,211, A>G. VCF-style: chr15-93009211-A-G. GRCh37 (hg19) VCF-style: chr15-93552441-A-G.
Other names: short protein forms N1494D.
Identifiers: ClinVar variation 588873 (VCV000588873.5), dbSNP rs1567162493, ClinGen allele CA393904481.